The following is an entry in ClinVar:

ClinVar aggregate classification (germline): Pathogenic (1 of 4 stars; one submission).

Submission:

Labcorp Genetics (formerly Invitae), Labcorp
Classification: Pathogenic. Last evaluated: 2022-10-04. Review status: criteria provided, single submitter. Criteria: Invitae Variant Classification Sherloc (09022015). Collection method: clinical testing. Allele origin: germline.
Comment: This variant has not been reported in the literature in individuals affected with POC1B-related conditions. For these reasons, this variant has been classified as Pathogenic. Algorithms developed to predict the effect of sequence changes on RNA splicing suggest that this variant may disrupt the consensus splice site. ClinVar contains an entry for this variant (Variation ID: 1455684). This variant is present in population databases (rs759972304, gnomAD 0.001%). This sequence change creates a premature translational stop signal (p.Leu354Cysfs*39) in the POC1B gene. It is expected to result in an absent or disrupted protein product. Loss-of-function variants in POC1B are known to be pathogenic (PMID: 25018096, 29220607).

Literature cited by the submitters: PubMed 25018096; PubMed 29220607.

NM_172240.3(POC1B):c.1061del (p.Leu354fs)

Genes: POC1B (POC1 centriolar protein B; minus strand), POC1B-DUSP6 (POC1B-DUSP6 readthrough; minus strand). Cytogenetic location: 12q21.33.
Variant type: Deletion.
Coding change: c.1061del on transcript NM_172240.3 (MANE Select); coding-DNA position 1061, one base deleted (T; older notation c.1061delT).
Protein change: p.Leu354fs; shifts the reading frame from leucine 354.
Molecular consequence: frameshift variant. On other transcripts: non-coding transcript variant (2).
Genome position (GRCh38, 1-based): chr12:89,459,690, A deleted on the plus strand (T on the coding strand, the reverse complement: POC1B is on the minus strand); the first of 3 consecutive A bases (chr12:89,459,690-89,459,692); deleting any one gives the same sequence. VCF-style (leftmost placement, unchanged base first): chr12-89459689-CA-C. GRCh37 (hg19) VCF-style: chr12-89853466-CA-C.
Other names: c.935del, p.Leu312fs (NM_001199777.2); short protein forms L312fs, L354fs.
Identifiers: ClinVar variation 1455684 (VCV001455684.6), dbSNP rs759972304, ClinGen allele CA6714297.